The following is an entry in ClinVar:

ClinVar aggregate classification (germline): Uncertain significance (1 of 4 stars; one submission).

Conditions:
SEMA3C-related disorder. Also called: SEMA3C-related condition.

gnomAD v4.1: 1 of 1,612,916 alleles (0.000062%); highest among the groups gnomAD compares: Non-Finnish European, 0.000085%; no homozygotes.

Submission:

PreventionGenetics, part of Exact Sciences
Classification: Uncertain significance for SEMA3C-related condition. Last evaluated: 2025-08-10. Review status: criteria provided, single submitter. Criteria: ACMG Guidelines, 2015. Collection method: clinical testing. Allele origin: germline.
Comment: The SEMA3C c.1687A>T variant is predicted to result in the amino acid substitution p.Thr563Ser. To our knowledge, this variant has not been reported in the literature. This variant is reported in 0.00088% of alleles in individuals of European (Non-Finnish) descent in gnomAD. At this time, the clinical significance of this variant is uncertain due to the absence of conclusive functional and genetic evidence.

NM_006379.5(SEMA3C):c.1633A>T (p.Thr545Ser)

Gene: SEMA3C (semaphorin 3C; minus strand). Cytogenetic location: 7q21.11.
Variant type: single nucleotide variant.
Coding change: c.1633A>T on transcript NM_006379.5 (MANE Select); coding-DNA position 1633, A replaced by T.
Protein change: p.Thr545Ser; replaces threonine 545 with serine.
Molecular consequence: missense variant.
Genome position (GRCh38, 1-based): chr7:80,758,341, T>A on the plus strand (A>T on the coding strand, the complement: SEMA3C is on the minus strand). VCF-style: chr7-80758341-T-A. GRCh37 (hg19) VCF-style: chr7-80387657-T-A.
Other names: c.1687A>T, p.Thr563Ser (NM_001350120.2); c.1459A>T, p.Thr487Ser (NM_001350121.2); short protein forms T487S, T563S, T545S.
Identifiers: ClinVar variation 4998088 (VCV004998088.1).
Genomic context (GRCh38, chr7:80,758,341, plus strand): 5'-ATTGTCTGGTGTCCTACATTTGGATGTTGAGCCGAGTGTTTAGTGCTCACCGTTTCCCAG[T>A]TGGGTAGAATCTGGAACAGGAATGGCCATCCCAGGCGCAATAAGGGTCCCGCGCCAGGCA-3'
Protein context (NP_006370.1, residues 535-555): DGHSCSRFYP[Thr545Ser]GKRRSRRQDV